The following is an entry in ClinVar:

NM_138694.4(PKHD1):c.977-7C>G

Gene: PKHD1 (PKHD1 ciliary IPT domain containing fibrocystin/polyductin; minus strand). Cytogenetic location: 6p12.2.
Variant type: single nucleotide variant.
Coding change: c.977-7C>G on transcript NM_138694.4 (MANE Select); 7 bases into the intron before coding-DNA position 977, C replaced by G.
Molecular consequence: intron variant.
Genome position (GRCh38, 1-based): chr6:52,062,667, G>C on the plus strand (C>G on the coding strand, the complement: PKHD1 is on the minus strand). VCF-style: chr6-52062667-G-C. GRCh37 (hg19) VCF-style: chr6-51927465-G-C.
Other names: c.977-7C>G (NM_170724.3).
Identifiers: ClinVar variation 594381 (VCV000594381.16), dbSNP rs1054774956, ClinGen allele CA138918441.

ClinVar aggregate classification (germline): Conflicting classifications of pathogenicity. Review status: criteria provided, conflicting classifications (1 of 4 stars). 4 submissions from 4 submitters: Uncertain significance (1); Likely benign (1). 2 of the submissions do not count toward it. Last evaluated 2026-01-15.

Conditions:
PKHD1-related disorder. Also called: PKHD1-related condition.
Autosomal recessive polycystic kidney disease (ARPKD). Also called: AR polycystic kidney disease. Identifiers: Orphanet 731, Orphanet 8378, MedGen C0085548, MeSH D017044, MONDO:0009889.

Allele frequency attached by ClinVar (database versions not stated): gnomAD exomes below 0.00001; gnomAD 0.00001 and 0.00014; TOPMed 0.00011.
gnomAD v4.1: 23 of 1,613,956 alleles (0.0014%); highest among the groups gnomAD compares: Non-Finnish European, 0.00034%; no homozygotes.

Submissions (4):

Labcorp Genetics (formerly Invitae), Labcorp
Classification: Likely benign for Autosomal recessive polycystic kidney disease. Last evaluated: 2026-01-15. Review status: criteria provided, single submitter. Criteria: Invitae Variant Classification Sherloc (09022015). Collection method: clinical testing. Allele origin: germline.

Eurofins Ntd Llc (ga)
Classification: Uncertain significance. Last evaluated: 2017-10-04. Review status: criteria provided, single submitter. Criteria: EGL Classification Definitions 2015. Collection method: clinical testing. Allele origin: germline. Observed: 1 variant allele, 1 heterozygote.

PreventionGenetics, part of Exact Sciences
Classification: Likely benign for PKHD1-related condition. Last evaluated: 2021-09-29. Review status: no assertion criteria provided. Collection method: clinical testing. Allele origin: germline. Not counted in ClinVar's aggregate classification.
Comment: This variant is classified as likely benign based on ACMG/AMP sequence variant interpretation guidelines (Richards et al. 2015 PMID: 25741868, with internal and published modifications).

Natera, Inc.
Classification: Uncertain significance for Autosomal recessive polycystic kidney disease. Last evaluated: 2018-06-07. Review status: no assertion criteria provided. Collection method: clinical testing. Allele origin: germline. Not counted in ClinVar's aggregate classification.